The following is an entry in ClinVar:

NM_000170.3(GLDC):c.2666G>T (p.Gly889Val)

Gene: GLDC (glycine decarboxylase; minus strand). Cytogenetic location: 9p24.1.
Variant type: single nucleotide variant.
Coding change: c.2666G>T on transcript NM_000170.3 (MANE Select); coding-DNA position 2666, G replaced by T.
Protein change: p.Gly889Val; replaces glycine 889 with valine.
Molecular consequence: missense variant.
Genome position (GRCh38, 1-based): chr9:6,536,236, C>A on the plus strand (G>T on the coding strand, the complement: GLDC is on the minus strand). VCF-style: chr9-6536236-C-A. GRCh37 (hg19) VCF-style: chr9-6536236-C-A.
Other names: short protein forms G889V.
Identifiers: ClinVar variation 4709666 (VCV004709666.1).
Genomic context (GRCh38, chr9:6,536,236, plus strand): 5'-TCAGTGGGCTCCACCATGAGGGTCCCTGCCACAGGCCAGGACATGGTAGGGGCGTGAAAT[C>A]CTGCAAAGGGAGACAGGAGAACTTGCCTCACTGAAGGTCAGTGGCCTACCCAGTTTGGAA-3'
Protein context (NP_000161.2, residues 879-899): VDVAKRLQDY[Gly889Val]FHAPTMSWPV

ClinVar aggregate classification (germline): Pathogenic (1 of 4 stars; one submission).

Conditions:
Glycine encephalopathy. Also called: Nonketotic hyperglycinemia; Non-ketotic hyperglycinemia. Identifiers: Orphanet 407, MedGen C0751748, MONDO:0011612, HP:0008288.

gnomAD v4.1: 3 of 1,613,140 alleles (0.00019%); highest among the groups gnomAD compares: South Asian, 0.0033%; no homozygotes.

Submission:

Labcorp Genetics (formerly Invitae), Labcorp
Classification: Pathogenic for Glycine encephalopathy. Last evaluated: 2025-07-18. Review status: criteria provided, single submitter. Criteria: Invitae Variant Classification Sherloc (09022015). Collection method: clinical testing. Allele origin: germline.
Comment: This sequence change replaces glycine, which is neutral and non-polar, with valine, which is neutral and non-polar, at codon 889 of the GLDC protein (p.Gly889Val). This variant is not present in population databases (gnomAD no frequency). This missense change has been observed in individual(s) with non-ketotic hyperglycinemia (PMID: 27362913). Invitae Evidence Modeling of protein sequence and biophysical properties (such as structural, functional, and spatial information, amino acid conservation, physicochemical variation, residue mobility, and thermodynamic stability) indicates that this missense variant is expected to disrupt GLDC protein function with a positive predictive value of 95%. For these reasons, this variant has been classified as Pathogenic.

Literature cited by the submitters: PubMed 27362913.